The following is an entry in ClinVar:

NM_001378454.1(ALMS1):c.5095G>T (p.Ala1699Ser)

Gene: ALMS1 (ALMS1 centrosome and basal body associated protein; plus strand). Cytogenetic location: 2p13.1.
Variant type: single nucleotide variant.
Coding change: c.5095G>T on transcript NM_001378454.1 (MANE Select); coding-DNA position 5095, G replaced by T.
Protein change: p.Ala1699Ser; replaces alanine 1699 with serine.
Molecular consequence: missense variant.
Genome position (GRCh38, 1-based): chr2:73,451,622, G>T. VCF-style: chr2-73451622-G-T. GRCh37 (hg19) VCF-style: chr2-73678749-G-T.
Other names: c.5098G>T, p.Ala1700Ser (NM_015120.4); short protein forms A1699S, A1700S.
Identifiers: ClinVar variation 1450401 (VCV001450401.3), dbSNP rs1553404004, ClinGen allele CA347279938.

ClinVar aggregate classification (germline): Uncertain significance (1 of 4 stars; one submission).

Conditions:
Alstrom syndrome (ALMS). Identifiers: Orphanet 64, MedGen C0268425, MONDO:0008763, OMIM 203800.

Submission:

Labcorp Genetics (formerly Invitae), Labcorp
Classification: Uncertain significance for Alstrom syndrome. Last evaluated: 2020-12-22. Review status: criteria provided, single submitter. Criteria: Invitae Variant Classification Sherloc (09022015). Collection method: clinical testing. Allele origin: germline.
Comment: This sequence change replaces alanine with serine at codon 1700 of the ALMS1 protein (p.Ala1700Ser). The alanine residue is weakly conserved and there is a moderate physicochemical difference between alanine and serine. This variant is not present in population databases (ExAC no frequency). This variant has not been reported in the literature in individuals with ALMS1-related conditions. Experimental studies and prediction algorithms are not available or were not evaluated, and the functional significance of this variant is currently unknown. In summary, the available evidence is currently insufficient to determine the role of this variant in disease. Therefore, it has been classified as a Variant of Uncertain Significance.